The following is an entry in ClinVar:

NM_000368.5(TSC1):c.664-3T>C

Gene: TSC1 (TSC complex subunit 1; minus strand). Cytogenetic location: 9q34.13.
Variant type: single nucleotide variant.
Coding change: c.664-3T>C on transcript NM_000368.5 (MANE Select); 3 bases into the intron before coding-DNA position 664, T replaced by C.
Molecular consequence: intron variant.
Genome position (GRCh38, 1-based): chr9:132,921,439, A>G on the plus strand (T>C on the coding strand, the complement: TSC1 is on the minus strand). VCF-style: chr9-132921439-A-G. GRCh37 (hg19) VCF-style: chr9-135796826-A-G.
Other names: c.301-3T>C (NM_001406620.1, NM_001406618.1, NM_001406625.1 and 10 more transcripts); c.511-3T>C (NM_001406613.1, NM_001406612.1, NM_001406610.1 and 2 more transcripts); c.-215+380T>C (NM_001406627.1, NM_001406628.1, NM_001406626.1); c.-357+380T>C (NM_001406629.1); c.664-3T>C (NM_001406603.1, NM_001406609.1, NM_001406597.1 and 16 more transcripts); c.-430-3T>C (NM_001406630.1).
Identifiers: ClinVar variation 4071173 (VCV004071173.2).

ClinVar aggregate classification (germline): Conflicting classifications of pathogenicity. Review status: criteria provided, conflicting classifications (1 of 4 stars). 2 submissions from 2 submitters: Uncertain significance (1); Likely benign (1). Last evaluated 2025-09-10.

Conditions:
Tuberous sclerosis 1 (TSC1). Identifiers: Orphanet 805, MedGen C1854465, MONDO:0008612, OMIM 191100.

Submissions (2):

Labcorp Genetics (formerly Invitae), Labcorp
Classification: Uncertain significance for Tuberous sclerosis 1. Last evaluated: 2025-09-10. Review status: criteria provided, single submitter. Criteria: Invitae Variant Classification Sherloc (09022015). Collection method: clinical testing. Allele origin: germline.
Comment: This sequence change falls in intron 7 of the TSC1 gene. It does not directly change the encoded amino acid sequence of the TSC1 protein. It affects a nucleotide within the consensus splice site. This variant is not present in population databases (gnomAD no frequency). This variant has not been reported in the literature in individuals affected with TSC1-related conditions. Variants that disrupt the consensus splice site are a relatively common cause of aberrant splicing (PMID: 17576681, 9536098). Algorithms developed to predict the effect of sequence changes on RNA splicing suggest that this variant is not likely to affect RNA splicing. In summary, the available evidence is currently insufficient to determine the role of this variant in disease. Therefore, it has been classified as a Variant of Uncertain Significance.

Myriad Genetics, Inc.
Classification: Likely benign for Tuberous sclerosis 1. Last evaluated: 2025-04-08. Review status: criteria provided, single submitter. Criteria: Myriad Autosomal Dominant, Autosomal Recessive and X-Linked Classification Criteria (2023). Collection method: clinical testing. Allele origin: unknown.
Comment: This variant is considered likely benign. This variant is intronic and is not expected to impact mRNA splicing.

Literature cited by the submitters: PubMed 17576681 (cited by Labcorp Genetics (formerly Invitae), Labcorp); PubMed 9536098 (cited by Labcorp Genetics (formerly Invitae), Labcorp).